The following is an entry in ClinVar:

ClinVar aggregate classification (germline): Uncertain significance. Review status: criteria provided, multiple submitters, no conflicts (2 of 4 stars). 2 submissions from 2 submitters: Uncertain significance (2). Last evaluated 2024-04-09.

Conditions:
Radio-Tartaglia syndrome. Identifiers: Orphanet 662234, MedGen C5543339, MONDO:0859143, OMIM 619312.
Inborn genetic diseases. Identifiers: MedGen C0950123, MeSH D030342.

Allele frequency attached by ClinVar (database versions not stated): ExAC 0.00007; TOPMed 0.00017; gnomAD 0.00021; gnomAD exomes 0.00024; ESP Exome Variant Server 0.00038.
gnomAD v4.1: 398 of 1,614,044 alleles (0.025%); highest among the groups gnomAD compares: Non-Finnish European, 0.031%; no homozygotes.

Submissions (2):

Pittsburgh Clinical Genomics Laboratory, University of Pittsburgh Medical Center
Classification: Uncertain significance for Radio-Tartaglia syndrome. Last evaluated: 2024-04-09. Review status: criteria provided, single submitter. Criteria: ACMG Guidelines, 2015. Collection method: clinical testing. Allele origin: germline. Inheritance: Autosomal dominant inheritance. Affected: yes.
Comment: This sequence variant is a single nucleotide substitution (C>T) at position 3784 of the coding sequence of the SPEN gene that results in a proline to serine amino acid change at residue 1262 of the SPEN protein. This is a previously reported variant (ClinVar 2360077) that has been observed in an individual affected by multiple myeloma (PMID: 28404951). This variant is present in 23 of 282542 alleles (0.0081%) in the gnomAD population dataset. Multiple bioinformatic tools predict that this amino acid change would be damaging, and the Pro1262 residue is strongly conserved across the vertebrate species examined. Studies examining the functiol consequence of this variant have not been published to our knowledge. At this time, there is insufficient evidence to determine if this variant is pathogenic or benign. Therefore, we consider this a variant of uncertain significance. ACMG Criteria: BP1, PP3

Ambry Genetics
Classification: Uncertain significance for Inborn genetic diseases. Last evaluated: 2021-06-18. Review status: criteria provided, single submitter. Criteria: Ambry Variant Classification Scheme 2023. Collection method: clinical testing. Allele origin: germline.

Literature cited by the submitters: PubMed 28404951 (cited by Pittsburgh Clinical Genomics Laboratory, University of Pittsburgh Medical Center).

NM_015001.3(SPEN):c.3784C>T (p.Pro1262Ser)

Gene: SPEN (spen family transcriptional repressor; plus strand). Cytogenetic location: 1p36.13.
Variant type: single nucleotide variant.
Coding change: c.3784C>T on transcript NM_015001.3 (MANE Select); coding-DNA position 3784, C replaced by T.
Protein change: p.Pro1262Ser; replaces proline 1262 with serine.
Molecular consequence: missense variant.
Genome position (GRCh38, 1-based): chr1:15,930,024, C>T. VCF-style: chr1-15930024-C-T. GRCh37 (hg19) VCF-style: chr1-16256519-C-T.
Other names: short protein forms P1262S.
Identifiers: ClinVar variation 2360077 (VCV002360077.3), dbSNP rs199881062, ClinGen allele CA619480.